The following is an entry in ClinVar:

ClinVar aggregate classification (germline): Pathogenic; drug response. Review status: reviewed by expert panel (3 of 4 stars). 18 submissions from 17 submitters: Pathogenic (1). 16 of the submissions do not count toward it. Last evaluated 2021-03-24.

Conditions:
CFTR-related disorder (CFTR-RD). Also called: CFTR-related condition; CFTR-related disorders. Identifiers: MedGen C5924204, MONDO:7770004.
Cystic fibrosis (CF). Also called: MUCOVISCIDOSIS. Identifiers: Orphanet 586, MedGen C0010674, MONDO:0009061, OMIM 219700. Disease mechanism: loss of function.
Bronchiectasis with or without elevated sweat chloride 1 (BESC1). Also called: Cystic Fibrosis-Like Syndrome. Identifiers: Orphanet 60033, MedGen C2749757, MONDO:0008887, OMIM 211400.
ivacaftor response - Efficacy. Identifiers: MedGen CN322735.

Allele frequency attached by ClinVar (database versions not stated): ExAC 0.00001; gnomAD exomes 0.00001; gnomAD 0.00001; TOPMed 0.00001.
gnomAD v4.1: 16 of 1,613,738 alleles (0.00099%); highest among the groups gnomAD compares: Non-Finnish European, 0.0011%; no homozygotes.

Submissions (18):

ClinPGx
Classification: drug response for ivacaftor response - Efficacy. Last evaluated: 2021-03-24. Review status: reviewed by expert panel. Criteria: Pharmacogenomics knowledge for personalized medicine. Collection method: curation. Allele origin: germline. Affected: yes.
Comment: PharmGKB Level of Evidence 1A: Level 1A clinical annotations describe variant-drug combinations that have variant-specific prescribing guidance available in a current clinical guideline annotation or an FDA-approved drug label annotation. Annotations of drug labels or clinical guidelines must give prescribing guidance for specific variants (e.g. CYP2C9*3, HLA-B*57:01) or provide mapping from defined allele functions to diplotypes and phenotypes to be used as supporting evidence for a level 1A clinical annotation. Level 1A clinical annotations must also be supported by at least one publication in addition to a clinical guideline or drug label with variant-specific prescribing guidance.

Drug is not necessarily used to treat response condition

CFTR2
Classification: Pathogenic for Cystic fibrosis. Last evaluated: 2017-03-17. Review status: reviewed by expert panel. Criteria: Sosnay PR et al. (Nat Genet 2013). Collection method: research. Allele origin: germline. Affected: yes. Study: CFTR2.

Natera, Inc.
Classification: Pathogenic for CFTR-related disorders. Last evaluated: 2026-01-11. Review status: criteria provided, single submitter. Criteria: Natera Variant Classification Schema (03/2026). Collection method: clinical testing. Allele origin: germline. Not counted in ClinVar's aggregate classification.
Comment: The c.3752G>A variant in CFTR is a missense variant predicted to cause substitution of serine to asparagine at amino acid 1251. This variant is rare in the general population with a frequency below the threshold expected for the associated phenotype(s). This variant has been observed in one or more individuals affected with the associated recessive disease, as either homozygous or compound heterozygous with a second variant (PMID: 8477260, 17481968, 7544319). Computational prediction algorithms indicate this variant is likely to affect gene or protein function. Given the available evidence, this variant is classified as Pathogenic.

Labcorp Genetics (formerly Invitae), Labcorp
Classification: Pathogenic for Cystic fibrosis. Last evaluated: 2025-08-10. Review status: criteria provided, single submitter. Criteria: Invitae Variant Classification Sherloc (09022015). Collection method: clinical testing. Allele origin: germline. Not counted in ClinVar's aggregate classification.
Comment: This sequence change replaces serine, which is neutral and polar, with asparagine, which is neutral and polar, at codon 1251 of the CFTR protein (p.Ser1251Asn). This variant is present in population databases (rs74503330, gnomAD 0.006%). This missense change has been observed in individuals with cystic fibrosis (PMID: 1284535, 17481968, 23974870, 26989879). ClinVar contains an entry for this variant (Variation ID: 7217). Invitae Evidence Modeling of protein sequence and biophysical properties (such as structural, functional, and spatial information, amino acid conservation, physicochemical variation, residue mobility, and thermodynamic stability) indicates that this missense variant is expected to disrupt CFTR protein function with a positive predictive value of 80%. Experimental studies have shown that this missense change affects CFTR function (PMID: 22293084). For these reasons, this variant has been classified as Pathogenic.

Women's Health and Genetics/Laboratory Corporation of America, LabCorp
Classification: Pathogenic for Cystic fibrosis. Last evaluated: 2025-03-05. Review status: criteria provided, single submitter. Criteria: LabCorp Variant Classification Summary - May 2015. Collection method: clinical testing. Allele origin: germline. Not counted in ClinVar's aggregate classification.
Comment: Variant summary: CFTR c.3752G>A (p.Ser1251Asn) results in a conservative amino acid change in the encoded protein sequence. Four of five in-silico tools predict a damaging effect of the variant on protein function. The variant allele was found at a frequency of 8e-06 in 251424 control chromosomes (gnomAD). c.3752G>A has been reported in the literature in numerous individuals affected with Cystic Fibrosis (e.g. Chevalier-Porst_1994, Kalin_1992, Mercier_1993, van Meegen_2013, Sosnay_2013). These data indicate that the variant is very likely to be associated with disease. Publications also reported experimental evidence evaluating an impact on protein function, and demonstrated defective channel opening and chloride transport (e.g. Yu_2012, van Meegen_2013, Sosnay_2013). The most pronounced variant effect results in <10% of normal activity. The following publications have been ascertained in the context of this evaluation (PMID: 8477260, 7525963, 22293084, 1284535, 23974870, 23483918). ClinVar contains an entry for this variant (Variation ID: 7217). Based on the evidence outlined above, the variant was classified as pathogenic.

Baylor Genetics
Classification: Pathogenic for Bronchiectasis with or without elevated sweat chloride 1. Last evaluated: 2023-01-13. Review status: criteria provided, single submitter. Criteria: ACMG Guidelines, 2015. Collection method: clinical testing. Allele origin: unknown. Not counted in ClinVar's aggregate classification.

Ambry Genetics
Classification: Pathogenic for Cystic fibrosis. Last evaluated: 2022-09-21. Review status: criteria provided, single submitter. Criteria: Ambry Variant Classification Scheme 2023. Collection method: clinical testing. Allele origin: germline. Not counted in ClinVar's aggregate classification.
Comment: The p.S1251N pathogenic mutation (also known as c.3752G>A and 3884G>A), located in coding exon 23 of the CFTR gene, results from a G to A substitution at nucleotide position 3752. The serine at codon 1251 is replaced by asparagine. This mutation was first reported in two individuals with pancreatic insufficiency (PI), severe pulmonary disease, and gastrointestinal disease; both individuals carried the p.F508C alteration in cis and the p.F508del mutation in trans (K&auml;lin N, et al. Hum Mutat. 1992; 1(3):204-10). This mutation is associated with elevated sweat chloride levels, lung disease, and PI; in addition, a functional study found this mutation resulted in significantly decreased rates of chloride conductance (Sosnay PR, et al. Nat Genet. 2013; 45(10):1160-7, Supplementary Table). Based on the supporting evidence, p.S1251N is interpreted as a disease-causing mutation.

Blueprint Genetics
Classification: Pathogenic for CFTR-related disorders. Last evaluated: 2022-04-25. Review status: criteria provided, single submitter. Criteria: ACMG Guidelines, 2015. Collection method: clinical testing. Allele origin: germline. Affected: yes. Observed: 2 variant alleles. Not counted in ClinVar's aggregate classification.

Myriad Genetics, Inc.
Classification: Pathogenic for Cystic fibrosis. Last evaluated: 2019-12-07. Review status: criteria provided, single submitter. Criteria: Myriad Women's Health Autosomal Recessive and X-Linked Classification Criteria (2019). Collection method: clinical testing. Allele origin: unknown. Not counted in ClinVar's aggregate classification.
Comment: NM_000492.3(CFTR):c.3752G>A(S1251N) is classified as pathogenic in the context of cystic fibrosis and is associated with the classic form of disease. Sources cited for classification include the following: PMID 23974870. Classification of NM_000492.3(CFTR):c.3752G>A(S1251N) is based on the following criteria: This is a well-established pathogenic variant in the literature that has been observed more frequently in patients with clinical diagnoses than in healthy populations. Please note: this variant was assessed in the context of healthy population screening.

Genome Diagnostics Laboratory, The Hospital for Sick Children
Classification: Pathogenic for Cystic fibrosis. Last evaluated: 2019-10-02. Review status: criteria provided, single submitter. Criteria: ACMG Guidelines, 2015. Collection method: clinical testing. Allele origin: germline. Not counted in ClinVar's aggregate classification.

Mendelics
Classification: Pathogenic for Cystic fibrosis. Last evaluated: 2018-11-05. Review status: criteria provided, single submitter. Criteria: Mendelics Assertion Criteria 2017. Collection method: clinical testing. Allele origin: unknown. Affected: yes. Not counted in ClinVar's aggregate classification.

CFTR-France
Classification: Pathogenic for cystic fibrosis. Last evaluated: 2018-01-29. Review status: criteria provided, single submitter. Criteria: Claustres M et al. (Hum Mutat 2017). Collection method: curation. Allele origin: germline. Affected: yes. Not counted in ClinVar's aggregate classification.

Quest Diagnostics Nichols Institute San Juan Capistrano
Classification: Pathogenic. Last evaluated: 2017-04-04. Review status: criteria provided, single submitter. Criteria: Quest Diagnostics criteria. Collection method: clinical testing. Allele origin: germline. Not counted in ClinVar's aggregate classification.

Genome Diagnostics Laboratory, The Hospital for Sick Children
Classification: Pathogenic for CFTR-related disorders. Last evaluated: 2019-10-02. Review status: no assertion criteria provided. Collection method: clinical testing. Allele origin: germline. Not counted in ClinVar's aggregate classification.

OMIM
Classification: Pathogenic for CYSTIC FIBROSIS. Last evaluated: 1993-01-01. Review status: no assertion criteria provided. Collection method: literature only. Allele origin: germline. Not counted in ClinVar's aggregate classification.

Clinical Genetics DNA and cytogenetics Diagnostics Lab, Erasmus MC, Erasmus Medical Center
Classification: Pathogenic. Review status: no assertion criteria provided. Collection method: clinical testing. Allele origin: germline. Affected: yes. Study: VKGL Data-share Consensus. Not counted in ClinVar's aggregate classification.

Diagnostic Laboratory, Department of Genetics, University Medical Center Groningen
Classification: Pathogenic. Review status: no assertion criteria provided. Collection method: clinical testing. Allele origin: germline. Affected: yes. Study: VKGL Data-share Consensus. Not counted in ClinVar's aggregate classification.

Joint Genome Diagnostic Labs from Nijmegen and Maastricht, Radboudumc and MUMC+
Classification: Pathogenic. Review status: no assertion criteria provided. Collection method: clinical testing. Allele origin: germline. Affected: yes. Study: VKGL Data-share Consensus. Not counted in ClinVar's aggregate classification.

Literature cited by the submitters: PubMed 22293084 (cited by 4 submitters); PubMed 25266159 (cited by ClinPGx); PubMed 27160424 (cited by ClinPGx); PubMed 8477260 (cited by Natera, Inc. and Women's Health and Genetics/Laboratory Corporation of America, LabCorp); PubMed 17481968 (cited by Natera, Inc. and Labcorp Genetics (formerly Invitae), Labcorp); PubMed 7544319 (cited by Natera, Inc.); PubMed 1284535 (cited by 4 submitters); PubMed 23974870 (cited by 5 submitters); PubMed 26989879 (cited by Labcorp Genetics (formerly Invitae), Labcorp and Quest Diagnostics Nichols Institute San Juan Capistrano); PubMed 7525963 (cited by Women's Health and Genetics/Laboratory Corporation of America, LabCorp); PubMed 23483918 (cited by Women's Health and Genetics/Laboratory Corporation of America, LabCorp); PubMed 18456578 (cited by Ambry Genetics); PubMed 24440181 (cited by Ambry Genetics and Quest Diagnostics Nichols Institute San Juan Capistrano); PubMed 25489051 (cited by Ambry Genetics and Quest Diagnostics Nichols Institute San Juan Capistrano); PubMed 9150843 (cited by Ambry Genetics); PubMed 22975760 (cited by Quest Diagnostics Nichols Institute San Juan Capistrano); PubMed 7504969 (cited by Quest Diagnostics Nichols Institute San Juan Capistrano and OMIM).

NM_000492.4(CFTR):c.3752G>A (p.Ser1251Asn)

Genes: CFTR (CF transmembrane conductance regulator; plus strand), CFTR-AS2 (CFTR antisense RNA 2; minus strand). Cytogenetic location: 7q31.2.
Variant type: single nucleotide variant.
Coding change: c.3752G>A on transcript NM_000492.4 (MANE Select); coding-DNA position 3752, G replaced by A.
Protein change: p.Ser1251Asn; replaces serine 1251 with asparagine.
Molecular consequence: missense variant.
Genome position (GRCh38, 1-based): chr7:117,642,472, G>A. VCF-style: chr7-117642472-G-A. GRCh37 (hg19) VCF-style: chr7-117282526-G-A.
Other names: short protein forms S1251N.
Identifiers: ClinVar variation 7217 (VCV000007217.32), dbSNP rs74503330, ClinGen allele CA325603.
Genomic context (GRCh38, chr7:117,642,472, plus strand): 5'-GTGATCCCATCACTTTTACCTTATAGGTGGGCCTCTTGGGAAGAACTGGATCAGGGAAGA[G>A]TACTTTGTTATCAGCTTTTTTGAGACTACTGAACACTGAAGGAGAAATCCAGATCGATGG-3'
Protein context (NP_000483.3, residues 1241-1261): GLLGRTGSGK[Ser1251Asn]TLLSAFLRLL